The following is an entry in ClinVar:

ClinVar aggregate classification (germline): Likely benign (0 of 4 stars; one submission).

Conditions:
TSHR-related disorder. Also called: TSHR-related condition; TSHR-related disorders.

Allele frequency attached by ClinVar (database versions not stated): 1000 Genomes Project 0.00020; ExAC 0.00021; gnomAD exomes 0.00004; gnomAD 0.00006; 1000 Genomes Project 30x 0.00016.
gnomAD v4.1: 73 of 1,613,644 alleles (0.0045%); highest among the groups gnomAD compares: East Asian, 0.14%; no homozygotes.

Submission:

PreventionGenetics, part of Exact Sciences
Classification: Likely benign for TSHR-related condition. Last evaluated: 2023-10-16. Review status: no assertion criteria provided. Collection method: clinical testing. Allele origin: germline.
Comment: This variant is classified as likely benign based on ACMG/AMP sequence variant interpretation guidelines (Richards et al. 2015 PMID: 25741868, with internal and published modifications).

NM_000369.5(TSHR):c.-6T>A

Genes: CEP128 (centrosomal protein 128; minus strand), TSHR (thyroid stimulating hormone receptor; plus strand). Cytogenetic location: 14q31.1.
Variant type: single nucleotide variant.
Coding change: c.-6T>A on transcript NM_000369.5 (MANE Select); 6 bases upstream of the start codon, T replaced by A.
Molecular consequence: 5 prime UTR variant.
Genome position (GRCh38, 1-based): chr14:80,955,675, T>A. VCF-style: chr14-80955675-T-A. GRCh37 (hg19) VCF-style: chr14-81422019-T-A.
Other names: c.-6T>A (NM_001018036.3, NM_001142626.3).
Identifiers: ClinVar variation 3032261 (VCV003032261.2), dbSNP rs370437427, ClinGen allele CA7293970.